The following is an entry in ClinVar:

NM_001378204.1(CCDC18):c.1343T>C (p.Leu448Pro)

Gene: CCDC18 (coiled-coil domain containing 18; plus strand). Cytogenetic location: 1p22.1.
Variant type: single nucleotide variant.
Coding change: c.1343T>C on transcript NM_001378204.1 (MANE Select); coding-DNA position 1343, T replaced by C.
Protein change: p.Leu448Pro; replaces leucine 448 with proline.
Molecular consequence: missense variant.
Genome position (GRCh38, 1-based): chr1:93,212,109, T>C. VCF-style: chr1-93212109-T-C. GRCh37 (hg19) VCF-style: chr1-93677666-T-C.
Other names: c.1343T>C, p.Leu448Pro (NM_001306076.1, NM_206886.4); short protein forms L448P.
Identifiers: ClinVar variation 3044139 (VCV003044139.2), dbSNP rs200393545, ClinGen allele CA954011.
Genomic context (GRCh38, chr1:93,212,109, plus strand): 5'-TTTTTTTATAGAATCTTTCTAATAATTTTTCCCTTCTTTTCTTTTGTGCCAGAATTAAGC[T>C]TGCAATAAAAGAGGCAGAAATTCAAAAGCTTCATGCAAACCTGACTGCAAATCAGTTATC-3'
Protein context (NP_001365133.1, residues 438-458): KLVISELRIK[Leu448Pro]AIKEAEIQKL

ClinVar aggregate classification (germline): Likely benign (0 of 4 stars; one submission).

Conditions:
CCDC18-related disorder. Also called: CCDC18-related condition.

Allele frequency attached by ClinVar (database versions not stated): ESP Exome Variant Server 0.00017; TOPMed 0.00018; gnomAD 0.00042; gnomAD exomes 0.00078; 1000 Genomes Project 30x 0.00141; 1000 Genomes Project 0.00180; ExAC 0.00185.
gnomAD v4.1: 1,197 of 1,598,068 alleles (0.075%); highest among the groups gnomAD compares: South Asian, 1.1%; 22 homozygotes.

Submission:

PreventionGenetics, part of Exact Sciences
Classification: Likely benign for CCDC18-related condition. Last evaluated: 2019-04-05. Review status: no assertion criteria provided. Collection method: clinical testing. Allele origin: germline.
Comment: This variant is classified as likely benign based on ACMG/AMP sequence variant interpretation guidelines (Richards et al. 2015 PMID: 25741868, with internal and published modifications).